The following is an entry in ClinVar:

NM_000038.6(APC):c.1263G>A (p.Trp421Ter)

Gene: APC (APC regulator of Wnt signaling pathway; plus strand). Cytogenetic location: 5q22.2.
Variant type: single nucleotide variant.
Coding change: c.1263G>A on transcript NM_000038.6 (MANE Select); coding-DNA position 1263, G replaced by A.
Protein change: p.Trp421Ter; replaces tryptophan 421 with a stop codon.
Molecular consequence: nonsense.
Genome position (GRCh38, 1-based): chr5:112,819,295, G>A. VCF-style: chr5-112819295-G-A. GRCh37 (hg19) VCF-style: chr5-112154992-G-A.
Other names: c.1263G>A, p.Trp421Ter (NM_001127510.3, NM_001354895.2, NM_001354896.2); c.1209G>A, p.Trp403Ter (NM_001127511.3); c.1293G>A, p.Trp431Ter (NM_001354897.2); c.1188G>A, p.Trp396Ter (NM_001354898.2); c.1179G>A, p.Trp393Ter (NM_001354899.2); c.1086G>A, p.Trp362Ter (NM_001354900.2, NM_001354901.2); c.990G>A, p.Trp330Ter (NM_001354902.2); c.960G>A, p.Trp320Ter (NM_001354903.2); and 3 more; short protein forms W403*, W421*, W320*, W330*, W362*, W393*, W431*, W261*.
Identifiers: ClinVar variation 449331 (VCV000449331.9), dbSNP rs1554080106, ClinGen allele CA16024066.

ClinVar aggregate classification (germline): Pathogenic. Review status: criteria provided, multiple submitters, no conflicts (2 of 4 stars). 4 submissions from 4 submitters: Pathogenic (4). Last evaluated 2025-06-17.

Conditions:
APC-Associated Polyposis Disorders.
Familial adenomatous polyposis 1 (FAP1). Also called: FAMILIAL ADENOMATOUS POLYPOSIS 1, ATTENUATED; POLYPOSIS, ADENOMATOUS INTESTINAL. Identifiers: MedGen C2713442, MONDO:0021056, OMIM 175100. Disease mechanism: loss of function.

Submissions (4):

Clinical Genetics Laboratory, Skane University Hospital Lund
Classification: Pathogenic. Last evaluated: 2025-06-17. Review status: criteria provided, single submitter. Criteria: ACMG Guidelines, 2015. Collection method: clinical testing. Allele origin: germline. Inheritance: Autosomal dominant inheritance. Affected: yes.
Comment: Classified according to criteria specifications in ClinGen InSiGHT Hereditary Colorectal Cancer/Polyposis Expert Panel Specifications to the ACMG/AMP Variant Interpretation Guidelines for APC Version 2.1.0: PVS1, PS4_Moderate, PM2.

Labcorp Genetics (formerly Invitae), Labcorp
Classification: Pathogenic for Familial adenomatous polyposis 1. Last evaluated: 2023-10-29. Review status: criteria provided, single submitter. Criteria: Invitae Variant Classification Sherloc (09022015). Collection method: clinical testing. Allele origin: germline.
Comment: This sequence change creates a premature translational stop signal (p.Trp421*) in the APC gene. It is expected to result in an absent or disrupted protein product. Loss-of-function variants in APC are known to be pathogenic (PMID: 17963004, 20685668). This variant is not present in population databases (gnomAD no frequency). This premature translational stop signal has been observed in individual(s) with clinical features of familial adenomatous polyposis (PMID: 20685668). ClinVar contains an entry for this variant (Variation ID: 449331). For these reasons, this variant has been classified as Pathogenic.

Myriad Genetics, Inc.
Classification: Pathogenic for Familial adenomatous polyposis 1. Last evaluated: 2023-05-01. Review status: criteria provided, single submitter. Criteria: Myriad Autosomal Dominant, Autosomal Recessive and X-Linked Classification Criteria (2023). Collection method: clinical testing. Allele origin: unknown.
Comment: This variant is considered pathogenic. This variant creates a termination codon and is predicted to result in premature protein truncation.

GeneDx
Classification: Pathogenic. Last evaluated: 2020-03-06. Review status: criteria provided, single submitter. Criteria: GeneDx Variant Classification Process June 2021. Collection method: clinical testing. Allele origin: germline. Affected: yes.
Comment: Nonsense variant predicted to result in protein truncation or nonsense mediated decay in a gene for which loss-of-function is a known mechanism of disease; Not observed in large population cohorts (Lek 2016); This variant is associated with the following publications: (PMID: 24206555, 25525159, 20685668, 22449158, 20649969, 16264375)

Literature cited by the submitters: PubMed 17963004 (cited by Labcorp Genetics (formerly Invitae), Labcorp); PubMed 20685668 (cited by Labcorp Genetics (formerly Invitae), Labcorp).